The following is an entry in ClinVar:

ClinVar aggregate classification (germline): Uncertain significance (1 of 4 stars; one submission).

Conditions:
Charcot-Marie-Tooth disease axonal type 2S. Also called: CHARCOT-MARIE-TOOTH DISEASE, AXONAL, AUTOSOMAL RECESSIVE, TYPE 2S; CHARCOT-MARIE-TOOTH NEUROPATHY, TYPE 2S. Identifiers: Orphanet 443073, MedGen C4015349, MONDO:0014511, OMIM 616155.
Autosomal recessive distal spinal muscular atrophy 1. Also called: NEURONOPATHY, DISTAL HEREDITARY MOTOR, HARDING TYPE VI; NEUROPATHY, DISTAL HEREDITARY MOTOR, AUTOSOMAL RECESSIVE 1; HMN VI; SEVERE INFANTILE AXONAL NEUROPATHY WITH RESPIRATORY FAILURE; SPINAL MUSCULAR ATROPHY, DIAPHRAGMATIC; NEURONOPATHY, SEVERE INFANTILE AXONAL, WITH RESPIRATORY FAILURE. Identifiers: Orphanet 98920, MedGen C1858517, MONDO:0011436, OMIM 604320.

Submission:

Labcorp Genetics (formerly Invitae), Labcorp
Classification: Uncertain significance for Autosomal recessive distal spinal muscular atrophy 1; Charcot-Marie-Tooth disease axonal type 2S. Last evaluated: 2021-12-18. Review status: criteria provided, single submitter. Criteria: Invitae Variant Classification Sherloc (09022015). Collection method: clinical testing. Allele origin: germline.
Comment: This variant has not been reported in the literature in individuals affected with IGHMBP2-related conditions. This sequence change replaces glutamine, which is neutral and polar, with arginine, which is basic and polar, at codon 853 of the IGHMBP2 protein (p.Gln853Arg). This variant is not present in population databases (gnomAD no frequency). Advanced modeling of protein sequence and biophysical properties (such as structural, functional, and spatial information, amino acid conservation, physicochemical variation, residue mobility, and thermodynamic stability) performed at Invitae indicates that this missense variant is not expected to disrupt IGHMBP2 protein function. In summary, the available evidence is currently insufficient to determine the role of this variant in disease. Therefore, it has been classified as a Variant of Uncertain Significance.

NM_002180.3(IGHMBP2):c.2558A>G (p.Gln853Arg)

Gene: IGHMBP2 (immunoglobulin mu DNA binding protein 2; plus strand). Cytogenetic location: 11q13.3.
Variant type: single nucleotide variant.
Coding change: c.2558A>G on transcript NM_002180.3 (MANE Select); coding-DNA position 2558, A replaced by G.
Protein change: p.Gln853Arg; replaces glutamine 853 with arginine.
Molecular consequence: missense variant.
Genome position (GRCh38, 1-based): chr11:68,937,038, A>G. VCF-style: chr11-68937038-A-G. GRCh37 (hg19) VCF-style: chr11-68704506-A-G.
Other names: short protein forms Q853R.
Identifiers: ClinVar variation 2046353 (VCV002046353.4), dbSNP rs2496076934, ClinGen allele CA381653981.